The following is an entry in ClinVar:

ClinVar aggregate classification (germline): Uncertain significance (1 of 4 stars; one submission).

gnomAD v4.1: 1 of 1,611,730 alleles (0.000062%); highest among the groups gnomAD compares: Non-Finnish European, 0.000085%; no homozygotes.

Submission:

Labcorp Genetics (formerly Invitae), Labcorp
Classification: Uncertain significance. Last evaluated: 2025-04-14. Review status: criteria provided, single submitter. Criteria: Invitae Variant Classification Sherloc (09022015). Collection method: clinical testing. Allele origin: germline.
Comment: This sequence change replaces threonine, which is neutral and polar, with isoleucine, which is neutral and non-polar, at codon 90 of the FH protein (p.Thr90Ile). This variant is not present in population databases (gnomAD no frequency). This variant has not been reported in the literature in individuals affected with FH-related conditions. ClinVar contains an entry for this variant (Variation ID: 639646). An algorithm developed to predict the effect of missense changes on protein structure and function outputs the following: PolyPhen-2: "Benign". The isoleucine amino acid residue is found in multiple mammalian species, which suggests that this missense change does not adversely affect protein function. In summary, the available evidence is currently insufficient to determine the role of this variant in disease. Therefore, it has been classified as a Variant of Uncertain Significance.

NM_000143.4(FH):c.269C>T (p.Thr90Ile)

Gene: FH (fumarate hydratase; minus strand). Cytogenetic location: 1q43.
Variant type: single nucleotide variant.
Coding change: c.269C>T on transcript NM_000143.4 (MANE Select); coding-DNA position 269, C replaced by T.
Protein change: p.Thr90Ile; replaces threonine 90 with isoleucine.
Molecular consequence: missense variant.
Genome position (GRCh38, 1-based): chr1:241,513,712, G>A on the plus strand (C>T on the coding strand, the complement: FH is on the minus strand). VCF-style: chr1-241513712-G-A. GRCh37 (hg19) VCF-style: chr1-241677012-G-A.
Other names: short protein forms T90I.
Identifiers: ClinVar variation 639646 (VCV000639646.9), dbSNP rs1401508226, ClinGen allele CA345441120.
Genomic context (GRCh38, chr1:241,513,712, plus strand): 5'-TAATCCTGGTTTACTTCAGCGGCCGCTCGCTTCAAGATGCCAAAAGCTTTAATAACTGGG[G>A]TCTAAAATTAATCAGAAAAATATTTCAAATTTACAATTTTACTTAAGCATGGAAGTTTAT-3'
Protein context (NP_000134.2, residues 80-100): KIGGVTERMP[Thr90Ile]PVIKAFGILK